The following is an entry in ClinVar:

ClinVar aggregate classification (germline): Uncertain significance (1 of 4 stars; one submission).

Conditions:
Primary ciliary dyskinesia. Also called: Ciliary dyskinesia. Identifiers: Orphanet 244, MedGen C0008780, MONDO:0016575, HP:0012265.

Allele frequency attached by ClinVar (database versions not stated): gnomAD exomes below 0.00001.

Submission:

Ambry Genetics
Classification: Uncertain significance for Primary ciliary dyskinesia. Last evaluated: 2023-02-20. Review status: criteria provided, single submitter. Criteria: Ambry Variant Classification Scheme 2023. Collection method: clinical testing. Allele origin: germline.
Comment: The p.R132C variant (also known as c.394C>T), located in coding exon 1 of the DNAAF5 gene, results from a C to T substitution at nucleotide position 394. The arginine at codon 132 is replaced by cysteine, an amino acid with highly dissimilar properties. This amino acid position is conserved. In addition, this alteration is predicted to be tolerated by in silico analysis. Since supporting evidence is limited at this time, the clinical significance of this alteration remains unclear.

NM_017802.4(DNAAF5):c.394C>T (p.Arg132Cys)

Genes: DNAAF5 (dynein axonemal assembly factor 5; plus strand), PRKAR1B (protein kinase cAMP-dependent type I regulatory subunit beta; minus strand). Cytogenetic location: 7p22.3.
Variant type: single nucleotide variant.
Coding change: c.394C>T on transcript NM_017802.4 (MANE Select); coding-DNA position 394, C replaced by T.
Protein change: p.Arg132Cys; replaces arginine 132 with cysteine.
Molecular consequence: missense variant. On other transcripts: non-coding transcript variant (1), intron variant (3).
Genome position (GRCh38, 1-based): chr7:727,114, C>T. VCF-style: chr7-727114-C-T. GRCh37 (hg19) VCF-style: chr7-766751-C-T.
Other names: c.-23+541G>A (NM_001164759.1); c.-23+476G>A (NM_001164758.2); c.-23+96G>A (NM_001164760.2); short protein forms R132C.
Identifiers: ClinVar variation 2448396 (VCV002448396.2), dbSNP rs1781344613, ClinGen allele CA366530475.
Genomic context (GRCh38, chr7:727,114, plus strand): 5'-GATGCCCTGCCGCGCCTGCTGCCCGCGCTCGCCGCGCGCTTGGCCGGCCCCGTGCCCGCG[C>T]GCCGCCCGCCCGAGGCCTGTGAGGAGCTGCGCCTGGCGCTTGTGCAGCTGCTGGGCCTGG-3'
Protein context (NP_060272.3, residues 122-142): AARLAGPVPA[Arg132Cys]RPPEACEELR